The following is an entry in ClinVar:

NM_000554.6(CRX):c.485T>C (p.Ile162Thr)

Gene: CRX (cone-rod homeobox; plus strand). Cytogenetic location: 19q13.33.
Variant type: single nucleotide variant.
Coding change: c.485T>C on transcript NM_000554.6 (MANE Select); coding-DNA position 485, T replaced by C.
Protein change: p.Ile162Thr; replaces isoleucine 162 with threonine.
Molecular consequence: missense variant.
Genome position (GRCh38, 1-based): chr19:47,839,552, T>C. VCF-style: chr19-47839552-T-C. GRCh37 (hg19) VCF-style: chr19-48342809-T-C.
Other names: short protein forms I162T.
Identifiers: ClinVar variation 1018735 (VCV001018735.8), dbSNP rs745628043, ClinGen allele CA9544499.

ClinVar aggregate classification (germline): Uncertain significance (1 of 4 stars; one submission).

Conditions:
Leber congenital amaurosis 7 (LCA7). Identifiers: Orphanet 65, MedGen C3151192, MONDO:0013449, OMIM 613829.
Cone-rod dystrophy 2 (CORD2). Also called: CONE-ROD RETINAL DYSTROPHY; Cone-rod retinal dystrophy 2. Identifiers: Orphanet 1872, MedGen C3489532, MONDO:0007362, OMIM 120970.

Allele frequency attached by ClinVar (database versions not stated): ExAC 0.00001; TOPMed 0.00001; gnomAD 0.00002.
gnomAD v4.1: 6 of 1,612,934 alleles (0.00037%); highest among the groups gnomAD compares: African/African-American, 0.0067%; no homozygotes.

Submission:

Labcorp Genetics (formerly Invitae), Labcorp
Classification: Uncertain significance for Cone-rod dystrophy 2; Leber congenital amaurosis 7. Last evaluated: 2022-02-11. Review status: criteria provided, single submitter. Criteria: Invitae Variant Classification Sherloc (09022015). Collection method: clinical testing. Allele origin: germline.
Comment: ClinVar contains an entry for this variant (Variation ID: 1018735). Algorithms developed to predict the effect of missense changes on protein structure and function (SIFT, PolyPhen-2, Align-GVGD) all suggest that this variant is likely to be disruptive. In summary, the available evidence is currently insufficient to determine the role of this variant in disease. Therefore, it has been classified as a Variant of Uncertain Significance. This variant has not been reported in the literature in individuals affected with CRX-related conditions. This sequence change replaces isoleucine, which is neutral and non-polar, with threonine, which is neutral and polar, at codon 162 of the CRX protein (p.Ile162Thr). This variant is present in population databases (rs745628043, gnomAD 0.01%).